The following is an entry in ClinVar:

NM_001042545.2(LTBP4):c.2056G>T (p.Val686Leu)

Gene: LTBP4 (latent transforming growth factor beta binding protein 4; plus strand). Cytogenetic location: 19q13.2.
Variant type: single nucleotide variant.
Coding change: c.2056G>T on transcript NM_001042545.2 (MANE Select); coding-DNA position 2056, G replaced by T.
Protein change: p.Val686Leu; replaces valine 686 with leucine.
Molecular consequence: missense variant.
Genome position (GRCh38, 1-based): chr19:40,611,861, G>T. VCF-style: chr19-40611861-G-T. GRCh37 (hg19) VCF-style: chr19-41117767-G-T.
Other names: c.2257G>T, p.Val753Leu (NM_001042544.1); c.2146G>T, p.Val716Leu (NM_003573.2); short protein forms V753L, V686L, V716L.
Identifiers: ClinVar variation 4049905 (VCV004049905.2).

ClinVar aggregate classification (germline): Uncertain significance. Review status: criteria provided, multiple submitters, no conflicts (2 of 4 stars). 2 submissions from 2 submitters: Uncertain significance (2). Last evaluated 2025-04-12.

Conditions:
Inborn genetic diseases. Identifiers: MedGen C0950123, MeSH D030342.

gnomAD v4.1: 91 of 1,607,764 alleles (0.0057%); highest among the groups gnomAD compares: Non-Finnish European, 0.0074%; 1 homozygote.

Submissions (2):

Ambry Genetics
Classification: Uncertain significance for Inborn genetic diseases. Last evaluated: 2025-04-12. Review status: criteria provided, single submitter. Criteria: Ambry Variant Classification Scheme 2023. Collection method: clinical testing. Allele origin: germline.

GeneDx
Classification: Uncertain significance. Last evaluated: 2025-01-28. Review status: criteria provided, single submitter. Criteria: GeneDx Variant Classification Process June 2021. Collection method: clinical testing. Allele origin: germline. Affected: yes.
Comment: Not observed at significant frequency in large population cohorts (gnomAD); In silico analysis indicates that this missense variant does not alter protein structure/function; Has not been previously published as pathogenic or benign to our knowledge